The following is an entry in ClinVar:

NM_001374623.1(PNPLA1):c.100G>C (p.Ala34Pro)

Gene: PNPLA1 (patatin like domain 1, omega-hydroxyceramide transacylase; plus strand). Cytogenetic location: 6p21.31.
Variant type: single nucleotide variant.
Coding change: c.100G>C on transcript NM_001374623.1 (MANE Select); coding-DNA position 100, G replaced by C.
Protein change: p.Ala34Pro; replaces alanine 34 with proline.
Molecular consequence: missense variant. On other transcripts: intron variant (2).
Genome position (GRCh38, 1-based): chr6:36,270,559, G>C. VCF-style: chr6-36270559-G-C. GRCh37 (hg19) VCF-style: chr6-36238336-G-C.
Other names: c.100G>C, p.Ala34Pro (NM_001145717.1); c.-80-20761G>C (NM_001145716.2, NM_173676.2); short protein forms A34P.
Identifiers: ClinVar variation 1691290 (VCV001691290.6), dbSNP rs1182312612, ClinGen allele CA363805265.

ClinVar aggregate classification (germline): Pathogenic/Likely pathogenic. Review status: criteria provided, multiple submitters, no conflicts (2 of 4 stars). 3 submissions from 3 submitters: Pathogenic (2); Likely pathogenic (1). Last evaluated 2025-12-03.

Conditions:
Lamellar ichthyosis. Identifiers: Orphanet 313, MedGen C5848247, MONDO:0017778.
Autosomal recessive congenital ichthyosis 10 (ARCI10). Identifiers: Orphanet 79394, MedGen C3554355, MONDO:0014011, OMIM 615024.

gnomAD v4.1: 2 of 1,551,624 alleles (0.00013%); highest among the groups gnomAD compares: Non-Finnish European, 0.00017%; no homozygotes.

Submissions (3):

Labcorp Genetics (formerly Invitae), Labcorp
Classification: Pathogenic. Last evaluated: 2025-12-03. Review status: criteria provided, single submitter. Criteria: Invitae Variant Classification Sherloc (09022015). Collection method: clinical testing. Allele origin: germline.
Comment: This sequence change replaces alanine, which is neutral and non-polar, with proline, which is neutral and non-polar, at codon 34 of the PNPLA1 protein (p.Ala34Pro). This variant is present in population databases (no rsID available, gnomAD 0.002%). This missense change has been observed in individual(s) with PNPLA1-related conditions (PMID: 27884779). ClinVar contains an entry for this variant (Variation ID: 1691290). An algorithm developed to predict the effect of missense changes on protein structure and function (PolyPhen-2) suggests that this variant is likely to be disruptive. Experimental studies have shown that this missense change affects PNPLA1 function (PMID: 35970721). This variant disrupts the p.Ala34 amino acid residue in PNPLA1. Other variant(s) that disrupt this residue have been determined to be pathogenic (PMID: 24344921, 28093717, 35970721). This suggests that this residue is clinically significant, and that variants that disrupt this residue are likely to be disease-causing. For these reasons, this variant has been classified as Pathogenic.

Women's Health and Genetics/Laboratory Corporation of America, LabCorp
Classification: Pathogenic for Lamellar ichthyosis. Last evaluated: 2025-07-10. Review status: criteria provided, single submitter. Criteria: LabCorp Variant Classification Summary - May 2015. Collection method: clinical testing. Allele origin: germline.
Comment: Variant summary: PNPLA1 c.100G>C (p.Ala34Pro) results in a non-conservative amino acid change in the encoded protein sequence. Algorithms developed to predict the effect of missense changes on protein structure and function all suggest that this variant is likely to be disruptive. The variant allele was found at a frequency of 6.5e-06 in 154404 control chromosomes. c.100G>C has been observed in multiple individuals affected with Congenital ichthyosiform erythroderma (Youssefian_2019). These data indicate that the variant is very likely to be associated with disease. The following publication have been ascertained in the context of this evaluation (PMID: 30578701). ClinVar contains an entry for this variant (Variation ID: 1691290). Based on the evidence outlined above, the variant was classified as pathogenic.

Diagnostics Services (NGS), CSIR - Centre For Cellular And Molecular Biology
Classification: Likely pathogenic for Autosomal recessive congenital ichthyosis 10. Last evaluated: 2022-03-28. Review status: criteria provided, single submitter. Criteria: ACMG Guidelines, 2015. Collection method: clinical testing. Allele origin: germline. Inheritance: Autosomal recessive inheritance. Affected: yes. Observed: 1 variant allele, 1 homozygote.
Comment: The c.100G>C variant is not present in publicly available population databases like 1000 Genomes, Exome Variant Server (EVS), Exome Aggregation Consortium (ExAC) and Indian Exome Database. The heterozygous state of the variant is present in Genome Aggregation Database (gnomAD), at a very low frequency. The variant is not present in our in-house exome database. The variant was previously identified in patients affected with autosomal recessive congenital ichthyosis (PMID:27884779) and reported to Human Genome Mutation Database (HGMD ID: CM172412). In-silico pathogenicity prediction programs like SIFT, PolyPhen-2, MutationTaster2, CADD, Varsome etc. predicted this variant to be likely deleterious. The variant is located in the mutational hotspot region and an alternate variant in this position (c.100G>A) was also reported in HGMD (ID: CM144452) (PMID:24344921).

Literature cited by the submitters: PubMed 27884779 (cited by Labcorp Genetics (formerly Invitae), Labcorp and Diagnostics Services (NGS), CSIR - Centre For Cellular And Molecular Biology); PubMed 35970721 (cited by Labcorp Genetics (formerly Invitae), Labcorp); PubMed 24344921 (cited by Labcorp Genetics (formerly Invitae), Labcorp and Diagnostics Services (NGS), CSIR - Centre For Cellular And Molecular Biology); PubMed 28093717 (cited by Labcorp Genetics (formerly Invitae), Labcorp); PubMed 30578701 (cited by Women's Health and Genetics/Laboratory Corporation of America, LabCorp).